The following is an entry in ClinVar:

ClinVar aggregate classification (germline): Uncertain significance (1 of 4 stars; one submission).

Submission:

Ambry Genetics
Classification: Uncertain significance. Last evaluated: 2025-03-04. Review status: criteria provided, single submitter. Criteria: Ambry Variant Classification Scheme 2023. Collection method: clinical testing. Allele origin: germline.
Comment: The p.T646S variant (also known as c.1936A>T), located in coding exon 1 of the TET2 gene, results from an A to T substitution at nucleotide position 1936. The threonine at codon 646 is replaced by serine, an amino acid with similar properties. This amino acid position is conserved. In addition, this alteration is predicted to be tolerated by in silico analysis. Based on the available evidence, the clinical significance of this variant remains unclear.

NM_001127208.3(TET2):c.1936A>T (p.Thr646Ser)

Genes: TET2 (tet methylcytosine dioxygenase 2; plus strand), TET2-AS1 (TET2 antisense RNA 1; minus strand). Cytogenetic location: 4q24.
Variant type: single nucleotide variant.
Coding change: c.1936A>T on transcript NM_001127208.3 (MANE Select); coding-DNA position 1936, A replaced by T.
Protein change: p.Thr646Ser; replaces threonine 646 with serine.
Molecular consequence: missense variant.
Genome position (GRCh38, 1-based): chr4:105,235,878, A>T. VCF-style: chr4-105235878-A-T. GRCh37 (hg19) VCF-style: chr4-106157035-A-T.
Other names: c.1936A>T, p.Thr646Ser (NM_017628.4); short protein forms T646S.
Identifiers: ClinVar variation 3806103 (VCV003806103.1).